The following is an entry in ClinVar:

NM_020822.3(KCNT1):c.255-7361C>G

Gene: KCNT1 (potassium sodium-activated channel subfamily T member 1; plus strand). Cytogenetic location: 9q34.3.
Variant type: single nucleotide variant.
Coding change: c.255-7361C>G on transcript NM_020822.3 (MANE Select); 7361 bases into the intron before coding-DNA position 255, C replaced by G.
Molecular consequence: intron variant.
Genome position (GRCh38, 1-based): chr9:135,742,737, C>G. VCF-style: chr9-135742737-C-G. GRCh37 (hg19) VCF-style: chr9-138634583-C-G.
Other names: c.111-7361C>G (NM_001272003.2).
Identifiers: ClinVar variation 3255312 (VCV003255312.2), dbSNP rs36105557.

ClinVar aggregate classification (germline): Benign (1 of 4 stars; one submission).

Allele frequency attached by ClinVar (database versions not stated): TOPMed 0.12088; 1000 Genomes Project 0.13019; 1000 Genomes Project 30x 0.13132; gnomAD exomes 0.13362; gnomAD 0.13641; ExAC 0.14805.
gnomAD v4.1: 95,610 of 717,216 alleles (13%); highest among the groups gnomAD compares: South Asian, 15%; 7,401 homozygotes.

Submission:

Unidad de Genómica Garrahan, Hospital de Pediatría Garrahan
Classification: Benign. Last evaluated: 2024-07-15. Review status: criteria provided, single submitter. Criteria: ACMG Guidelines, 2015. Collection method: clinical testing. Allele origin: germline. Affected: no. Observed: 20 variant alleles.
Comment: This variant is classified as Benign based on local population frequency. This variant was detected in 22% of patients studied in a panel designed for Epileptic and Developmental Encephalopathy and Progressive Myoclonus Epilepsy. Number of patients: 20. Only high quality variants are reported.